The following is an entry in ClinVar:

NM_024077.5(SECISBP2):c.1923G>A (p.Val641=)

Gene: SECISBP2 (SECIS binding protein 2; plus strand). Cytogenetic location: 9q22.2.
Variant type: single nucleotide variant.
Coding change: c.1923G>A on transcript NM_024077.5 (MANE Select); coding-DNA position 1923, G replaced by A.
Protein change: p.Val641=; no amino-acid change (valine 641 retained).
Molecular consequence: synonymous variant.
Genome position (GRCh38, 1-based): chr9:89,350,662, G>A. VCF-style: chr9-89350662-G-A. GRCh37 (hg19) VCF-style: chr9-91965577-G-A.
Other names: c.1920G>A, p.Val640= (NM_001282688.2); c.1704G>A, p.Val568= (NM_001282689.2); c.1719G>A, p.Val573= (NM_001282690.1); c.1806G>A, p.Val602= (NM_001354696.2); c.1809G>A, p.Val603= (NM_001354697.2); c.1716G>A, p.Val572= (NM_001354698.2); c.1038G>A, p.Val346= (NM_001354702.2); c.1923G>A (NM_024077.4).
Identifiers: ClinVar variation 1284422 (VCV001284422.4), dbSNP rs41288139, ClinGen allele CA5117638.
Genomic context (GRCh38, chr9:89,350,662, plus strand): 5'-ACAATTCCTGATGTCTGATGTTTCTTTCAGTTACTGCAGCCAGATGCTTAGTAAAGAAGT[G>A]GATGCTTGTGTTACCGACCTACTCAAAGAACTGGTCCGTTTCCAAGACCGTATGTACCAG-3'
Protein context (NP_076982.3, residues 631-651): DYCSQMLSKE[Val641=]DACVTDLLKE

ClinVar aggregate classification (germline): Benign/Likely benign. Review status: no assertion criteria provided (0 of 4 stars). 3 submissions from 3 submitters: Benign (1); Likely benign (2). Last evaluated 2024-06-22.

Conditions:
SECISBP2-related disorder. Also called: SECISBP2-related condition.

Allele frequency attached by ClinVar (database versions not stated): ExAC 0.00064; gnomAD exomes 0.00068 and 0.00108; ESP Exome Variant Server 0.00069; gnomAD 0.00085 and 0.00091; TOPMed 0.00089.

Submissions (3):

PreventionGenetics, part of Exact Sciences
Classification: Likely benign for SECISBP2-related condition. Last evaluated: 2024-06-22. Review status: no assertion criteria provided. Collection method: clinical testing. Allele origin: germline.
Comment: This variant is classified as likely benign based on ACMG/AMP sequence variant interpretation guidelines (Richards et al. 2015 PMID: 25741868, with internal and published modifications).

Clinical Genetics DNA and cytogenetics Diagnostics Lab, Erasmus MC, Erasmus Medical Center
Classification: Likely benign. Review status: no assertion criteria provided. Collection method: clinical testing. Allele origin: germline. Affected: yes. Study: VKGL Data-share Consensus.

Clinical Genetics, Academic Medical Center
Classification: Benign. Review status: no assertion criteria provided. Collection method: clinical testing. Allele origin: germline. Affected: yes. Study: VKGL Data-share Consensus.